The following is an entry in ClinVar:

NM_000179.3(MSH6):c.1298A>G (p.Tyr433Cys)

Gene: MSH6 (mutS homolog 6; plus strand). Cytogenetic location: 2p16.3.
Variant type: single nucleotide variant.
Coding change: c.1298A>G on transcript NM_000179.3 (MANE Select); coding-DNA position 1298, A replaced by G.
Protein change: p.Tyr433Cys; replaces tyrosine 433 with cysteine.
Molecular consequence: missense variant.
Genome position (GRCh38, 1-based): chr2:47,799,281, A>G. VCF-style: chr2-47799281-A-G. GRCh37 (hg19) VCF-style: chr2-48026420-A-G.
Other names: c.908A>G, p.Tyr303Cys (NM_001281492.2); c.392A>G, p.Tyr131Cys (NM_001281493.2, NM_001281494.2, NM_001406811.1 and 6 more transcripts); c.1394A>G, p.Tyr465Cys (NM_001406795.1, NM_001406802.1); c.1298A>G, p.Tyr433Cys (NM_001406796.1, NM_001406798.1, NM_001406800.1 and 4 more transcripts); c.1001A>G, p.Tyr334Cys (NM_001406797.1, NM_001406801.1, NM_001406805.1 and 10 more transcripts); c.773A>G, p.Tyr258Cys (NM_001406799.1, NM_001406806.1, NM_001406807.1); c.1220A>G, p.Tyr407Cys (NM_001406804.1); c.1304A>G, p.Tyr435Cys (NM_001406813.1); and 1 more; short protein forms Y334C, Y377C, Y131C, Y258C, Y435C, Y465C, Y407C, Y433C.
Identifiers: ClinVar variation 1769262 (VCV001769262.2), dbSNP rs1669317232, ClinGen allele CA346744255.

ClinVar aggregate classification (germline): Uncertain significance (1 of 4 stars; one submission).

Conditions:
Hereditary cancer-predisposing syndrome. Also called: Hereditary Cancer Syndrome; Hereditary neoplastic syndrome; Neoplastic Syndromes, Hereditary; Tumor predisposition. Identifiers: Orphanet 140162, MedGen C0027672, MeSH D009386, MONDO:0015356.

Submission:

Ambry Genetics
Classification: Uncertain significance for Hereditary cancer-predisposing syndrome. Last evaluated: 2018-12-07. Review status: criteria provided, single submitter. Criteria: Ambry Variant Classification Scheme 2023. Collection method: clinical testing. Allele origin: germline.
Comment: The p.Y433C variant (also known as c.1298A>G), located in coding exon 4 of the MSH6 gene, results from an A to G substitution at nucleotide position 1298. The tyrosine at codon 433 is replaced by cysteine, an amino acid with highly dissimilar properties. This amino acid position is highly conserved in available vertebrate species. In addition, this alteration is predicted to be deleterious by in silico analysis. In addition, the CoDP in silico tool predicts this alteration to likely have an impact on molecular function, with a score of 1.000 (Terui H et al. J. Biomed. Sci. 2013 Apr;20:25). Since supporting evidence is limited at this time, the clinical significance of this alteration remains unclear.